The following is an entry in ClinVar:

ClinVar aggregate classification (germline): Uncertain significance (1 of 4 stars; one submission).

Conditions:
Atrioventricular septal defect 5 (AVSD5). Identifiers: MedGen C3280939, MONDO:0013769, OMIM 614474.

Allele frequency attached by ClinVar (database versions not stated): gnomAD exomes below 0.00001.
gnomAD v4.1: 1 of 1,592,022 alleles (0.000063%); highest among the groups gnomAD compares: South Asian, 0.0011%; no homozygotes.

Submission:

Labcorp Genetics (formerly Invitae), Labcorp
Classification: Uncertain significance for Atrioventricular septal defect 5. Last evaluated: 2023-08-02. Review status: criteria provided, single submitter. Criteria: Invitae Variant Classification Sherloc (09022015). Collection method: clinical testing. Allele origin: germline.
Comment: In summary, the available evidence is currently insufficient to determine the role of this variant in disease. Therefore, it has been classified as a Variant of Uncertain Significance. Advanced modeling of protein sequence and biophysical properties (such as structural, functional, and spatial information, amino acid conservation, physicochemical variation, residue mobility, and thermodynamic stability) performed at Invitae indicates that this missense variant is not expected to disrupt GATA6 protein function. This variant has not been reported in the literature in individuals affected with GATA6-related conditions. This variant is not present in population databases (gnomAD no frequency). This sequence change replaces glycine, which is neutral and non-polar, with serine, which is neutral and polar, at codon 164 of the GATA6 protein (p.Gly164Ser).

NM_005257.6(GATA6):c.490G>A (p.Gly164Ser)

Gene: GATA6 (GATA binding protein 6; plus strand). Cytogenetic location: 18q11.2.
Variant type: single nucleotide variant.
Coding change: c.490G>A on transcript NM_005257.6 (MANE Select); coding-DNA position 490, G replaced by A.
Protein change: p.Gly164Ser; replaces glycine 164 with serine.
Molecular consequence: missense variant.
Genome position (GRCh38, 1-based): chr18:22,171,634, G>A. VCF-style: chr18-22171634-G-A. GRCh37 (hg19) VCF-style: chr18-19751595-G-A.
Other names: short protein forms G164S.
Identifiers: ClinVar variation 2891015 (VCV002891015.3), dbSNP rs1162500244, ClinGen allele CA401799781.